The following is an entry in ClinVar:

ClinVar aggregate classification (germline): Uncertain significance (1 of 4 stars; one submission).

Submission:

GeneDx
Classification: Uncertain significance. Last evaluated: 2020-01-28. Review status: criteria provided, single submitter. Criteria: GeneDx Variant Classification Process June 2021. Collection method: clinical testing. Allele origin: germline. Affected: yes.
Comment: Not observed in large population cohorts (Lek et al., 2016); In silico analysis, which includes protein predictors and evolutionary conservation, supports that this variant does not alter protein structure/function; Has not been previously published as pathogenic or benign to our knowledge

NM_022124.6(CDH23):c.352G>A (p.Val118Met)

Genes: CDH23-AS1 (CDH23 antisense RNA 1; minus strand), CDH23 (cadherin related 23; plus strand). Cytogenetic location: 10q22.1.
Variant type: single nucleotide variant.
Coding change: c.352G>A on transcript NM_022124.6 (MANE Select); coding-DNA position 352, G replaced by A.
Protein change: p.Val118Met; replaces valine 118 with methionine.
Molecular consequence: missense variant.
Genome position (GRCh38, 1-based): chr10:71,511,135, G>A. VCF-style: chr10-71511135-G-A. GRCh37 (hg19) VCF-style: chr10-73270892-G-A.
Other names: c.352G>A, p.Val118Met (NM_001171930.2, NM_001171931.2, NM_001171932.2 and 1 more transcripts); short protein forms V118M.
Identifiers: ClinVar variation 1315155 (VCV001315155.2), dbSNP rs1360138778, ClinGen allele CA377115981.